The following is an entry in ClinVar:

ClinVar aggregate classification (germline): Likely benign (1 of 4 stars; one submission).

gnomAD v4.1: 21 of 1,526,880 alleles (0.0014%); highest among the groups gnomAD compares: Admixed American, 0.0063%; no homozygotes.

Submission:

CeGaT Center for Human Genetics Tuebingen
Classification: Likely benign. Last evaluated: 2026-02-01. Review status: criteria provided, single submitter. Criteria: CeGaT Center For Human Genetics Tuebingen Variant Classification Criteria Version 2. Collection method: clinical testing. Allele origin: germline. Affected: yes. Observed: 1 variant allele.
Comment: BICRA: BP4, BP7

NM_001394372.1(BICRA):c.435C>T (p.Gly145=)

Gene: BICRA (BRD4 interacting chromatin remodeling complex associated protein; plus strand). Cytogenetic location: 19q13.33.
Variant type: single nucleotide variant.
Coding change: c.435C>T on transcript NM_001394372.1 (MANE Select); coding-DNA position 435, C replaced by T.
Protein change: p.Gly145=; no amino-acid change (glycine 145 retained).
Molecular consequence: synonymous variant.
Genome position (GRCh38, 1-based): chr19:47,679,605, C>T. VCF-style: chr19-47679605-C-T. GRCh37 (hg19) VCF-style: chr19-48182862-C-T.
Other names: c.435C>T, p.Gly145= (NM_015711.3).
Identifiers: ClinVar variation 4822230 (VCV004822230.4).